The following is an entry in ClinVar:

NM_001273.5(CHD4):c.354G>T (p.Lys118Asn)

Gene: CHD4 (chromodomain helicase DNA binding protein 4; minus strand). Cytogenetic location: 12p13.31.
Variant type: single nucleotide variant.
Coding change: c.354G>T on transcript NM_001273.5 (MANE Select); coding-DNA position 354, G replaced by T.
Protein change: p.Lys118Asn; replaces lysine 118 with asparagine.
Molecular consequence: missense variant.
Genome position (GRCh38, 1-based): chr12:6,602,044, C>A on the plus strand (G>T on the coding strand, the complement: CHD4 is on the minus strand). VCF-style: chr12-6602044-C-A. GRCh37 (hg19) VCF-style: chr12-6711210-C-A.
Other names: c.333G>T, p.Lys111Asn (NM_001297553.2); c.354G>T, p.Lys118Asn (NM_001363606.2); short protein forms K111N, K118N.
Identifiers: ClinVar variation 5038004 (VCV005038004.2).

ClinVar aggregate classification (germline): Uncertain significance (1 of 4 stars; one submission).

Conditions:
Sifrim-Hitz-Weiss syndrome (SIHIWES). Also called: CHD4 Neurodevelopmental Disorder; SIFRIM-HITZ-WEISS MULTIPLE CONGENITAL ANOMALIES-MENTAL RETARDATION SYNDROME. Identifiers: Orphanet 653712, MedGen C4310688, MONDO:0014946, OMIM 617159.

Submission:

Juno Genomics, Hangzhou Juno Genomics, Inc
Classification: Uncertain significance for Sifrim-Hitz-Weiss syndrome. Review status: criteria provided, single submitter. Criteria: ACMG Guidelines, 2015. Collection method: clinical testing. Allele origin: germline.
Comment: Absent from controls (or at extremely low frequency if recessive) in Genome Aggregation Database.;De novo (both maternity and paternity confirmed) in a patient with the disease and no family history.;Missense variant in a gene that has a low rate of benign missense variation.